The following is an entry in ClinVar:

ClinVar aggregate classification (germline): Likely benign. Review status: criteria provided, multiple submitters, no conflicts (2 of 4 stars). 2 submissions from 2 submitters: Likely benign (2). Last evaluated 2026-04-21.

Conditions:
TJP2-related disorder. Also called: TJP2-related condition.

Allele frequency attached by ClinVar (database versions not stated): gnomAD 0.00007; gnomAD exomes 0.00007; ExAC 0.00008; ESP Exome Variant Server 0.00008.
gnomAD v4.1: 112 of 1,613,638 alleles (0.0069%); highest among the groups gnomAD compares: Non-Finnish European, 0.0087%; no homozygotes.

Submissions (2):

PreventionGenetics, part of Exact Sciences
Classification: Likely benign for TJP2-related condition. Last evaluated: 2026-04-21. Review status: criteria provided, single submitter. Criteria: ACMG Guidelines, 2015. Collection method: clinical testing. Allele origin: germline.
Comment: This variant is classified as likely benign based on ACMG/AMP sequence variant interpretation guidelines (Richards et al. 2015 PMID: 25741868, with internal and published modifications).

Labcorp Genetics (formerly Invitae), Labcorp
Classification: Likely benign. Last evaluated: 2025-10-12. Review status: criteria provided, single submitter. Criteria: Invitae Variant Classification Sherloc (09022015). Collection method: clinical testing. Allele origin: germline.

NM_004817.4(TJP2):c.2208C>T (p.Phe736=)

Gene: TJP2 (tight junction protein 2; plus strand). Cytogenetic location: 9q21.11.
Variant type: single nucleotide variant.
Coding change: c.2208C>T on transcript NM_004817.4 (MANE Select); coding-DNA position 2208, C replaced by T.
Protein change: p.Phe736=; no amino-acid change (phenylalanine 736 retained).
Molecular consequence: synonymous variant.
Genome position (GRCh38, 1-based): chr9:69,237,906, C>T. VCF-style: chr9-69237906-C-T. GRCh37 (hg19) VCF-style: chr9-71852822-C-T.
Other names: c.2139C>T, p.Phe713= (NM_001170414.2, NM_001369871.1); c.2220C>T, p.Phe740= (NM_001170415.1, NM_001369874.1, NM_001369875.1); c.2301C>T, p.Phe767= (NM_001170416.2); c.2133C>T, p.Phe711= (NM_001369870.1); c.2208C>T, p.Phe736= (NM_001369872.1, NM_001369873.1, NM_201629.3); c.2208C>T (NM_004817.3).
Identifiers: ClinVar variation 2053101 (VCV002053101.5), dbSNP rs201690110, ClinGen allele CA5073608.